The following is an entry in ClinVar:

ClinVar aggregate classification (germline): Uncertain significance (1 of 4 stars; one submission).

Submission:

Greenwood Genetic Center Diagnostic Laboratories, Greenwood Genetic Center
Classification: Uncertain significance. Last evaluated: 2025-06-12. Review status: criteria provided, single submitter. Criteria: ACMG Guidelines, 2015. Collection method: clinical testing. Allele origin: germline. Affected: yes.
Comment: PM2, BP4

NM_001379081.2(FREM1):c.11T>A (p.Leu4Gln)

Gene: FREM1 (FRAS1 related extracellular matrix 1; minus strand). Cytogenetic location: 9p22.3.
Variant type: single nucleotide variant.
Coding change: c.11T>A on transcript NM_001379081.2 (MANE Select); coding-DNA position 11, T replaced by A.
Protein change: p.Leu4Gln; replaces leucine 4 with glutamine.
Molecular consequence: missense variant. On other transcripts: non-coding transcript variant (4).
Genome position (GRCh38, 1-based): chr9:14,868,967, A>T on the plus strand (T>A on the coding strand, the complement: FREM1 is on the minus strand). VCF-style: chr9-14868967-A-T. GRCh37 (hg19) VCF-style: chr9-14868965-A-T.
Other names: c.11T>A, p.Leu4Gln (NM_001370065.1, NM_144966.7, NM_001370060.1 and 1 more transcripts); short protein forms L4Q.
Identifiers: ClinVar variation 4538307 (VCV004538307.1).
Genomic context (GRCh38, chr9:14,868,967, plus strand): 5'-GTGGGGCTGGCCCAGGCCAGGAGGAGCAGCAGCAGCACGGCATTCGCAGCCCCCCAACTC[A>T]GAGAGTTCATGCTGACAGGGCCCAACTCTTCTCTGTCCACCGGCGAAATCCCTTTAACAA-3'
Protein context (NP_001366010.1, residues 1-14): MNS[Leu4Gln]SWGAANAVLL